The following is an entry in ClinVar:

ClinVar aggregate classification (germline): Pathogenic (1 of 4 stars; one submission).

Submission:

Labcorp Genetics (formerly Invitae), Labcorp
Classification: Pathogenic. Last evaluated: 2024-08-08. Review status: criteria provided, single submitter. Criteria: Invitae Variant Classification Sherloc (09022015). Collection method: clinical testing. Allele origin: germline.
Comment: This sequence change creates a premature translational stop signal (p.Glu2963*) in the CDH23 gene. It is expected to result in an absent or disrupted protein product. Loss-of-function variants in CDH23 are known to be pathogenic (PMID: 11138009, 21940737). This variant is not present in population databases (gnomAD no frequency). This variant has not been reported in the literature in individuals affected with CDH23-related conditions. For these reasons, this variant has been classified as Pathogenic.

Literature cited by the submitters: PubMed 11138009; PubMed 21940737.

NM_022124.6(CDH23):c.8887G>T (p.Glu2963Ter)

Gene: CDH23 (cadherin related 23; plus strand). Cytogenetic location: 10q22.1.
Variant type: single nucleotide variant.
Coding change: c.8887G>T on transcript NM_022124.6 (MANE Select); coding-DNA position 8887, G replaced by T.
Protein change: p.Glu2963Ter; replaces glutamic acid 2963 with a stop codon.
Molecular consequence: nonsense.
Genome position (GRCh38, 1-based): chr10:71,809,984, G>T. VCF-style: chr10-71809984-G-T. GRCh37 (hg19) VCF-style: chr10-73569741-G-T.
Other names: c.2167G>T, p.Glu723Ter (NM_001171933.1, NM_001171934.1); short protein forms E723*, E2963*.
Identifiers: ClinVar variation 3661814 (VCV003661814.2).